The following is an entry in ClinVar:

ClinVar aggregate classification (germline): Likely benign. Review status: criteria provided, multiple submitters, no conflicts (2 of 4 stars). 4 submissions from 4 submitters: Likely benign (4). Last evaluated 2026-01-31.

Conditions:
PCDH15-related disorder. Also called: PCDH15-related condition; PCDH15-related disorders.

Allele frequency attached by ClinVar (database versions not stated): ExAC 0.00002; gnomAD 0.00003; TOPMed 0.00003; ESP Exome Variant Server 0.00015.
gnomAD v4.1: 63 of 1,613,836 alleles (0.0039%); highest among the groups gnomAD compares: Admixed American, 0.005%; no homozygotes.

Submissions (4):

Labcorp Genetics (formerly Invitae), Labcorp
Classification: Likely benign. Last evaluated: 2026-01-31. Review status: criteria provided, single submitter. Criteria: Invitae Variant Classification Sherloc (09022015). Collection method: clinical testing. Allele origin: germline.

PreventionGenetics, part of Exact Sciences
Classification: Likely benign for PCDH15-related condition. Last evaluated: 2025-04-24. Review status: criteria provided, single submitter. Criteria: ACMG Guidelines, 2015. Collection method: clinical testing. Allele origin: germline.
Comment: This variant is classified as likely benign based on ACMG/AMP sequence variant interpretation guidelines (Richards et al. 2015 PMID: 25741868, with internal and published modifications).

Blueprint Genetics
Classification: Likely benign. Last evaluated: 2023-12-08. Review status: criteria provided, single submitter. Criteria: ACMG Guidelines, 2015. Collection method: clinical testing. Allele origin: germline.

Laboratory for Molecular Medicine, Mass General Brigham Personalized Medicine
Classification: Likely benign. Last evaluated: 2010-04-13. Review status: criteria provided, single submitter. Criteria: LMM Criteria. Collection method: clinical testing. Allele origin: germline. Observed: 1 variant allele.
Comment: proposed classification - variant undergoing re-assessment, contact laboratory

NM_001384140.1(PCDH15):c.2379T>C (p.Asp793=)

Gene: PCDH15 (protocadherin related 15; minus strand). Cytogenetic location: 10q21.1.
Variant type: single nucleotide variant.
Coding change: c.2379T>C on transcript NM_001384140.1 (MANE Select); coding-DNA position 2379, T replaced by C.
Protein change: p.Asp793=; no amino-acid change (aspartic acid 793 retained).
Molecular consequence: synonymous variant.
Genome position (GRCh38, 1-based): chr10:54,023,039, A>G on the plus strand (T>C on the coding strand, the complement: PCDH15 is on the minus strand). VCF-style: chr10-54023039-A-G. GRCh37 (hg19) VCF-style: chr10-55782799-A-G.
Other names: c.2394T>C, p.Asp798= (NM_001142763.2, NM_001142771.2); c.2379T>C, p.Asp793= (NM_001142764.2, NM_001142766.2, NM_001142770.3 and 5 more transcripts); c.2166T>C, p.Asp722= (NM_001142765.2); c.2268T>C, p.Asp756= (NM_001142767.2); c.2313T>C, p.Asp771= (NM_001142768.2, NM_001142773.2, NM_001354404.2); c.2415T>C, p.Asp805= (NM_001142769.4); c.2400T>C, p.Asp800= (NM_001354411.2).
Identifiers: ClinVar variation 177915 (VCV000177915.17), dbSNP rs148920891, ClinGen allele CA180993.
Genomic context (GRCh38, chr10:54,023,039, plus strand): 5'-ATCAATGTCCAAAACCTTGATGGCCAAGGTTAGAGTTGAATGACGAGGGTGTACTGCTCC[A>G]TCTGTTGCCACAACAACAAGTTCATAGTAGTCCCTGACTTCTCTGTTAAGCTTCACTGCT-3'
Protein context (NP_001371069.1, residues 783-803): DYYELVVVAT[Asp793=]GAVHPRHSTL